The following is an entry in ClinVar:

ClinVar aggregate classification (germline): Benign/Likely benign. Review status: criteria provided, multiple submitters, no conflicts (2 of 4 stars). 3 submissions from 3 submitters: Benign (1); Likely benign (2). Last evaluated 2026-09-08.

Conditions:
ASTN2-related disorder. Also called: ASTN2-related condition.

Allele frequency attached by ClinVar (database versions not stated): 1000 Genomes Project 30x 0.00109; 1000 Genomes Project 0.00120; TOPMed 0.00224; ESP Exome Variant Server 0.00277; gnomAD 0.00282 and 0.00290; gnomAD exomes 0.00282 and 0.00365; ExAC 0.00289.
gnomAD v4.1: 5,719 of 1,614,020 alleles (0.35%); highest among the groups gnomAD compares: Non-Finnish European, 0.42%; 18 homozygotes.

Submissions (3):

PreventionGenetics, part of Exact Sciences
Classification: Likely benign for ASTN2-related condition. Last evaluated: 2026-09-08. Review status: criteria provided, single submitter. Criteria: ACMG Guidelines, 2015. Collection method: clinical testing. Allele origin: germline.
Comment: This variant is classified as likely benign based on ACMG/AMP sequence variant interpretation guidelines (Richards et al. 2015 PMID: 25741868, with internal and published modifications).

CeGaT Center for Human Genetics Tuebingen
Classification: Likely benign. Last evaluated: 2024-03-01. Review status: criteria provided, single submitter. Criteria: CeGaT Center For Human Genetics Tuebingen Variant Classification Criteria Version 2. Collection method: clinical testing. Allele origin: germline. Affected: yes. Observed: 2 variant alleles.
Comment: ASTN2: BP4, BP7, BS2

Labcorp Genetics (formerly Invitae), Labcorp
Classification: Benign. Last evaluated: 2019-12-31. Review status: criteria provided, single submitter. Criteria: Invitae Variant Classification Sherloc (09022015). Collection method: clinical testing. Allele origin: germline.

NM_001365068.1(ASTN2):c.1257C>T (p.Arg419=)

Genes: ASTN2 (astrotactin 2; minus strand), LOC126860748 (MED14-independent group 3 enhancer GRCh37_chr9:119857782-119858981; plus strand). Cytogenetic location: 9q33.1.
Variant type: single nucleotide variant.
Coding change: c.1257C>T on transcript NM_001365068.1 (MANE Select); coding-DNA position 1257, C replaced by T.
Protein change: p.Arg419=; no amino-acid change (arginine 419 retained).
Molecular consequence: synonymous variant.
Genome position (GRCh38, 1-based): chr9:117,096,063, G>A on the plus strand (C>T on the coding strand, the complement: ASTN2 is on the minus strand). VCF-style: chr9-117096063-G-A. GRCh37 (hg19) VCF-style: chr9-119858342-G-A.
Other names: c.1257C>T, p.Arg419= (NM_001365069.1); c.1104C>T, p.Arg368= (NM_014010.5).
Identifiers: ClinVar variation 720190 (VCV000720190.29), dbSNP rs56355255, ClinGen allele CA5211744.